The following is an entry in ClinVar:

NM_025179.4(PLXNA2):c.1383C>T (p.Asp461=)

Gene: PLXNA2 (plexin A2; minus strand). Cytogenetic location: 1q32.2.
Variant type: single nucleotide variant.
Coding change: c.1383C>T on transcript NM_025179.4 (MANE Select); coding-DNA position 1383, C replaced by T.
Protein change: p.Asp461=; no amino-acid change (aspartic acid 461 retained).
Molecular consequence: synonymous variant.
Genome position (GRCh38, 1-based): chr1:208,142,452, G>A on the plus strand (C>T on the coding strand, the complement: PLXNA2 is on the minus strand). VCF-style: chr1-208142452-G-A. GRCh37 (hg19) VCF-style: chr1-208315797-G-A.
Identifiers: ClinVar variation 3354699 (VCV003354699.1).
Genomic context (GRCh38, chr1:208,142,452, plus strand): 5'-GGGGCTTCCGTCCTTGAGCACAGAGACCATCTCGTACTGGACCCCACCATGGGGGGGACC[G>A]TCGGCCCGAATCTGTATGAGAAACAAGGGTGTCCTCAGCATCTGCCCTCAGTATTCCCCT-3'
Protein context (NP_079455.3, residues 451-471): KSGKLKKIRA[Asp461=]GPPHGGVQYE

ClinVar aggregate classification (germline): Likely benign (0 of 4 stars; one submission).

Conditions:
PLXNA2-related disorder. Also called: PLXNA2-related condition.

gnomAD v4.1: 18 of 1,607,916 alleles (0.0011%); highest among the groups gnomAD compares: East Asian, 0.011%; no homozygotes.

Submission:

PreventionGenetics, part of Exact Sciences
Classification: Likely benign for PLXNA2-related condition. Last evaluated: 2024-01-03. Review status: no assertion criteria provided. Collection method: clinical testing. Allele origin: germline.
Comment: This variant is classified as likely benign based on ACMG/AMP sequence variant interpretation guidelines (Richards et al. 2015 PMID: 25741868, with internal and published modifications).